The following is an entry in ClinVar:

NM_006031.6(PCNT):c.9886T>C (p.Ser3296Pro)

Gene: PCNT (pericentrin; plus strand). Cytogenetic location: 21q22.3.
Variant type: single nucleotide variant.
Coding change: c.9886T>C on transcript NM_006031.6 (MANE Select); coding-DNA position 9886, T replaced by C.
Protein change: p.Ser3296Pro; replaces serine 3296 with proline.
Molecular consequence: missense variant.
Genome position (GRCh38, 1-based): chr21:46,444,740, T>C. VCF-style: chr21-46444740-T-C. GRCh37 (hg19) VCF-style: chr21-47864653-T-C.
Other names: c.9295T>C, p.Ser3099Pro (NM_001315529.2); short protein forms S3296P, S3099P.
Identifiers: ClinVar variation 211892 (VCV000211892.7), dbSNP rs752708321, ClinGen allele CA206814.

ClinVar aggregate classification (germline): Uncertain significance. Review status: criteria provided, multiple submitters, no conflicts (2 of 4 stars). 2 submissions from 2 submitters: Uncertain significance (2). Last evaluated 2022-06-21.

gnomAD v4.1: 1 of 1,613,470 alleles (0.000062%); highest among the groups gnomAD compares: Middle Eastern, 0.017%; no homozygotes.

Submissions (2):

GeneDx
Classification: Uncertain significance. Last evaluated: 2022-06-21. Review status: criteria provided, single submitter. Criteria: GeneDx Variant Classification Process June 2021. Collection method: clinical testing. Allele origin: germline. Affected: yes.
Comment: Has not been previously published as pathogenic or benign to our knowledge; Not observed at significant frequency in large population cohorts (gnomAD); In silico analysis supports that this missense variant has a deleterious effect on protein structure/function; Missense variant in a gene in which most reported pathogenic variants are truncating/loss of function

Genetic Services Laboratory, University of Chicago
Classification: Uncertain significance. Last evaluated: 2014-09-11. Review status: criteria provided, single submitter. Criteria: ACMG Guidelines, 2015. Collection method: clinical testing. Allele origin: germline.